The following is an entry in ClinVar:

ClinVar aggregate classification (germline): Uncertain significance. Review status: criteria provided, multiple submitters, no conflicts (2 of 4 stars). 3 submissions from 3 submitters: Uncertain significance (2). 1 of the submissions does not count toward it. Last evaluated 2025-02-01.

Conditions:
Cardiovascular phenotype. Identifiers: MedGen CN230736.
EFEMP2-related disorder. Also called: EFEMP2-related condition.
Cutis laxa, autosomal recessive, type 1B (ARCL1B). Also called: CUTIS LAXA, AUTOSOMAL RECESSIVE, TYPE IB; EFEMP2-Related Cutis Laxa. Identifiers: Orphanet 90349, MedGen C3280798, MONDO:0013754, OMIM 614437. Disease mechanism: loss of function.

Allele frequency attached by ClinVar (database versions not stated): TOPMed 0.00002; gnomAD 0.00006.
gnomAD v4.1: 127 of 1,614,054 alleles (0.0079%); highest among the groups gnomAD compares: Non-Finnish European, 0.011%; no homozygotes.

Submissions (3):

Ambry Genetics
Classification: Uncertain significance for Cardiovascular phenotype. Last evaluated: 2025-02-01. Review status: criteria provided, single submitter. Criteria: Ambry Variant Classification Scheme 2023. Collection method: clinical testing. Allele origin: germline.
Comment: The p.V412L variant (also known as c.1234G>T), located in coding exon 10 of the EFEMP2 gene, results from a G to T substitution at nucleotide position 1234. The valine at codon 412 is replaced by leucine, an amino acid with highly similar properties. This amino acid position is well conserved in available vertebrate species. In addition, the in silico prediction for this alteration is inconclusive. Since supporting evidence is limited at this time, the clinical significance of this alteration remains unclear.

Labcorp Genetics (formerly Invitae), Labcorp
Classification: Uncertain significance for Cutis laxa, autosomal recessive, type 1B. Last evaluated: 2022-09-09. Review status: criteria provided, single submitter. Criteria: Invitae Variant Classification Sherloc (09022015). Collection method: clinical testing. Allele origin: germline.
Comment: This sequence change replaces valine, which is neutral and non-polar, with leucine, which is neutral and non-polar, at codon 412 of the EFEMP2 protein (p.Val412Leu). This variant is present in population databases (rs146879673, gnomAD 0.009%). This variant has not been reported in the literature in individuals affected with EFEMP2-related conditions. ClinVar contains an entry for this variant (Variation ID: 566563). Advanced modeling of protein sequence and biophysical properties (such as structural, functional, and spatial information, amino acid conservation, physicochemical variation, residue mobility, and thermodynamic stability) performed at Invitae indicates that this missense variant is not expected to disrupt EFEMP2 protein function. In summary, the available evidence is currently insufficient to determine the role of this variant in disease. Therefore, it has been classified as a Variant of Uncertain Significance.

PreventionGenetics, part of Exact Sciences
Classification: Uncertain significance for EFEMP2-related condition. Last evaluated: 2024-03-21. Review status: no assertion criteria provided. Collection method: clinical testing. Allele origin: germline. Not counted in ClinVar's aggregate classification.
Comment: The EFEMP2 c.1234G>T variant is predicted to result in the amino acid substitution p.Val412Leu. To our knowledge, this variant has not been reported in the literature. This variant is reported in 0.010% of alleles in individuals of European (Non-Finnish) descent in gnomAD. At this time, the clinical significance of this variant is uncertain due to the absence of conclusive functional and genetic evidence.

NM_016938.5(EFEMP2):c.1234G>T (p.Val412Leu)

Genes: EFEMP2 (EGF-like fibulin extracellular matrix protein 2; minus strand), MUS81 (MUS81 structure-specific endonuclease subunit; plus strand). Cytogenetic location: 11q13.1.
Variant type: single nucleotide variant.
Coding change: c.1234G>T on transcript NM_016938.5 (MANE Select); coding-DNA position 1234, G replaced by T.
Protein change: p.Val412Leu; replaces valine 412 with leucine.
Molecular consequence: missense variant. On other transcripts: non-coding transcript variant (1).
Genome position (GRCh38, 1-based): chr11:65,867,016, C>A on the plus strand (G>T on the coding strand, the complement: EFEMP2 is on the minus strand). VCF-style: chr11-65867016-C-A. GRCh37 (hg19) VCF-style: chr11-65634487-C-A.
Other names: short protein forms V412L.
Identifiers: ClinVar variation 566563 (VCV000566563.8), dbSNP rs146879673, ClinGen allele CA6110357.